The following is an entry in ClinVar:

NM_005529.7(HSPG2):c.934G>A (p.Asp312Asn)

Gene: HSPG2 (heparan sulfate proteoglycan 2; minus strand). Cytogenetic location: 1p36.12.
Variant type: single nucleotide variant.
Coding change: c.934G>A on transcript NM_005529.7 (MANE Select); coding-DNA position 934, G replaced by A.
Protein change: p.Asp312Asn; replaces aspartic acid 312 with asparagine.
Molecular consequence: missense variant.
Genome position (GRCh38, 1-based): chr1:21,887,444, C>T on the plus strand (G>A on the coding strand, the complement: HSPG2 is on the minus strand). VCF-style: chr1-21887444-C-T. GRCh37 (hg19) VCF-style: chr1-22213937-C-T.
Other names: c.934G>A, p.Asp312Asn (NM_001291860.2); short protein forms D312N.
Identifiers: ClinVar variation 1416351 (VCV001416351.3), dbSNP rs2152762663, ClinGen allele CA338968900.

ClinVar aggregate classification (germline): Uncertain significance (1 of 4 stars; one submission).

Submission:

Labcorp Genetics (formerly Invitae), Labcorp
Classification: Uncertain significance. Last evaluated: 2021-09-15. Review status: criteria provided, single submitter. Criteria: Invitae Variant Classification Sherloc (09022015). Collection method: clinical testing. Allele origin: germline.
Comment: This sequence change replaces aspartic acid with asparagine at codon 312 of the HSPG2 protein (p.Asp312Asn). The aspartic acid residue is highly conserved and there is a small physicochemical difference between aspartic acid and asparagine. This variant is not present in population databases (ExAC no frequency). This variant has not been reported in the literature in individuals affected with HSPG2-related conditions. Algorithms developed to predict the effect of missense changes on protein structure and function are either unavailable or do not agree on the potential impact of this missense change (SIFT: "Deleterious"; PolyPhen-2: "Benign"; Align-GVGD: "Class C0"). In summary, the available evidence is currently insufficient to determine the role of this variant in disease. Therefore, it has been classified as a Variant of Uncertain Significance.